The following is an entry in ClinVar:

ClinVar aggregate classification (germline): Likely benign. Review status: criteria provided, multiple submitters, no conflicts (2 of 4 stars). 3 submissions from 3 submitters: Likely benign (3). Last evaluated 2026-05-01.

Conditions:
KBG syndrome (KBGS). Also called: ANKRD11-Related KBG Syndrome. Identifiers: Orphanet 2332, MedGen C0220687, MONDO:0007846, OMIM 148050.

Allele frequency attached by ClinVar (database versions not stated): gnomAD exomes 0.00003; ExAC 0.00005; gnomAD 0.00005; ESP Exome Variant Server 0.00015.
gnomAD v4.1: 46 of 1,613,058 alleles (0.0029%); highest among the groups gnomAD compares: Admixed American, 0.012%; no homozygotes.

Submissions (3):

CeGaT Center for Human Genetics Tuebingen
Classification: Likely benign. Last evaluated: 2026-05-01. Review status: criteria provided, single submitter. Criteria: CeGaT Center For Human Genetics Tuebingen Variant Classification Criteria Version 2. Collection method: clinical testing. Allele origin: germline. Affected: yes. Observed: 1 variant allele.
Comment: ANKRD11: BP4, BP7

Labcorp Genetics (formerly Invitae), Labcorp
Classification: Likely benign for KBG syndrome. Last evaluated: 2025-08-17. Review status: criteria provided, single submitter. Criteria: Invitae Variant Classification Sherloc (09022015). Collection method: clinical testing. Allele origin: germline.

Blueprint Genetics
Classification: Likely benign. Last evaluated: 2024-11-13. Review status: criteria provided, single submitter. Criteria: ACMG Guidelines, 2015. Collection method: clinical testing. Allele origin: germline.

NM_013275.6(ANKRD11):c.7662C>T (p.Ala2554=)

Gene: ANKRD11 (ankyrin repeat domain 11; minus strand). Cytogenetic location: 16q24.3.
Variant type: single nucleotide variant.
Coding change: c.7662C>T on transcript NM_013275.6 (MANE Select); coding-DNA position 7662, C replaced by T.
Protein change: p.Ala2554=; no amino-acid change (alanine 2554 retained).
Molecular consequence: synonymous variant.
Genome position (GRCh38, 1-based): chr16:89,274,865, G>A on the plus strand (C>T on the coding strand, the complement: ANKRD11 is on the minus strand). VCF-style: chr16-89274865-G-A. GRCh37 (hg19) VCF-style: chr16-89341273-G-A.
Other names: c.7662C>T, p.Ala2554= (NM_001256182.2, NM_001256183.2).
Identifiers: ClinVar variation 2058100 (VCV002058100.7), dbSNP rs139657234, ClinGen allele CA8241066.